The following is an entry in ClinVar:

NM_017763.6(RNF43):c.1912A>T (p.Ser638Cys)

Gene: RNF43 (ring finger protein 43; minus strand). Cytogenetic location: 17q22.
Variant type: single nucleotide variant.
Coding change: c.1912A>T on transcript NM_017763.6 (MANE Select); coding-DNA position 1912, A replaced by T.
Protein change: p.Ser638Cys; replaces serine 638 with cysteine.
Molecular consequence: missense variant.
Genome position (GRCh38, 1-based): chr17:58,357,864, T>A on the plus strand (A>T on the coding strand, the complement: RNF43 is on the minus strand). VCF-style: chr17-58357864-T-A. GRCh37 (hg19) VCF-style: chr17-56435225-T-A.
Other names: c.1912A>T, p.Ser638Cys (NM_001305544.3); c.1531A>T, p.Ser511Cys (NM_001305545.2); c.1912A>T (NM_017763.4); short protein forms S511C, S638C.
Identifiers: ClinVar variation 2678394 (VCV002678394.7), dbSNP rs758074045, ClinGen allele CA8673093.

ClinVar aggregate classification (germline): Uncertain significance. Review status: criteria provided, multiple submitters, no conflicts (2 of 4 stars). 4 submissions from 4 submitters: Uncertain significance (4). Last evaluated 2024-11-25.

Conditions:
Sessile serrated polyposis cancer syndrome (SSPCS). Identifiers: Orphanet 157798, MedGen C4310714, MONDO:0014919, OMIM 617108.

Allele frequency attached by ClinVar (database versions not stated): gnomAD exomes below 0.00001; ExAC 0.00002; TOPMed 0.00006; gnomAD 0.00007.
gnomAD v4.1: 17 of 1,613,866 alleles (0.0011%); highest among the groups gnomAD compares: African/African-American, 0.021%; no homozygotes.

Submissions (4):

Ambry Genetics
Classification: Uncertain significance. Last evaluated: 2024-11-25. Review status: criteria provided, single submitter. Criteria: Ambry Variant Classification Scheme 2023. Collection method: clinical testing. Allele origin: germline.
Comment: The p.S638C variant (also known as c.1912A>T), located in coding exon 8 of the RNF43 gene, results from an A to T substitution at nucleotide position 1912. The serine at codon 638 is replaced by cysteine, an amino acid with dissimilar properties. This amino acid position is conserved. In addition, this alteration is predicted to be tolerated by in silico analysis. Based on the available evidence, the clinical significance of this variant remains unclear.

Labcorp Genetics (formerly Invitae), Labcorp
Classification: Uncertain significance. Last evaluated: 2024-05-23. Review status: criteria provided, single submitter. Criteria: Invitae Variant Classification Sherloc (09022015). Collection method: clinical testing. Allele origin: germline.
Comment: This sequence change replaces serine, which is neutral and polar, with cysteine, which is neutral and slightly polar, at codon 638 of the RNF43 protein (p.Ser638Cys). This variant is present in population databases (rs758074045, gnomAD 0.03%). This variant has not been reported in the literature in individuals affected with RNF43-related conditions. An algorithm developed to predict the effect of missense changes on protein structure and function (PolyPhen-2) suggests that this variant is likely to be disruptive. In summary, the available evidence is currently insufficient to determine the role of this variant in disease. Therefore, it has been classified as a Variant of Uncertain Significance.

GeneDx
Classification: Uncertain significance. Last evaluated: 2024-04-16. Review status: criteria provided, single submitter. Criteria: GeneDx Variant Classification Process June 2021. Collection method: clinical testing. Allele origin: germline. Affected: yes.
Comment: In silico analysis supports that this missense variant does not alter protein structure/function; Has not been previously published as pathogenic or benign to our knowledge; Variants in candidate genes are classified as variants of uncertain significance in accordance with ACMG guidelines (PMID: 25741868)

Baylor Genetics
Classification: Uncertain significance for Sessile serrated polyposis cancer syndrome. Last evaluated: 2024-03-10. Review status: criteria provided, single submitter. Criteria: ACMG Guidelines, 2015. Collection method: clinical testing. Allele origin: unknown.